The following is an entry in ClinVar:

ClinVar aggregate classification (germline): Uncertain significance (1 of 4 stars; one submission).

Conditions:
Beckwith-Wiedemann syndrome (BWS). Also called: Exomphalos macroglossia gigantism syndrome; EMG SYNDROME. Identifiers: Orphanet 116, MedGen C0004903, MONDO:0007534, OMIM 130650.

Submission:

Labcorp Genetics (formerly Invitae), Labcorp
Classification: Uncertain significance for Beckwith-Wiedemann syndrome. Last evaluated: 2024-04-08. Review status: criteria provided, single submitter. Criteria: Invitae Variant Classification Sherloc (09022015). Collection method: clinical testing. Allele origin: germline.
Comment: This sequence change replaces alanine, which is neutral and non-polar, with valine, which is neutral and non-polar, at codon 170 of the CDKN1C protein (p.Ala170Val). The frequency data for this variant in the population databases is considered unreliable, as metrics indicate insufficient coverage at this position in the gnomAD database. This variant has not been reported in the literature in individuals affected with CDKN1C-related conditions. Advanced modeling of protein sequence and biophysical properties (such as structural, functional, and spatial information, amino acid conservation, physicochemical variation, residue mobility, and thermodynamic stability) performed at Invitae indicates that this missense variant is not expected to disrupt CDKN1C protein function with a negative predictive value of 80%. In summary, the available evidence is currently insufficient to determine the role of this variant in disease. Therefore, it has been classified as a Variant of Uncertain Significance.

NM_001122630.2(CDKN1C):c.476C>T (p.Ala159Val)

Gene: CDKN1C (cyclin dependent kinase inhibitor 1C; minus strand). Cytogenetic location: 11p15.4.
Variant type: single nucleotide variant.
Coding change: c.476C>T on transcript NM_001122630.2 (MANE Select); coding-DNA position 476, C replaced by T.
Protein change: p.Ala159Val; replaces alanine 159 with valine.
Molecular consequence: missense variant. On other transcripts: intron variant (1).
Genome position (GRCh38, 1-based): chr11:2,884,981, G>A on the plus strand (C>T on the coding strand, the complement: CDKN1C is on the minus strand). VCF-style: chr11-2884981-G-A. GRCh37 (hg19) VCF-style: chr11-2906211-G-A.
Other names: c.509C>T, p.Ala170Val (NM_000076.2, NM_001362474.2); c.476C>T, p.Ala159Val (NM_001122631.2); c.255+221C>T (NM_001362475.2); short protein forms A159V, A170V.
Identifiers: ClinVar variation 3699778 (VCV003699778.2).